The following is an entry in ClinVar:

NM_001385125.1(OPN1SW):c.973G>C (p.Asp325His)

Genes: CALU (calumenin; plus strand), OPN1SW (opsin 1, short wave sensitive; minus strand). Cytogenetic location: 7q32.1.
Variant type: single nucleotide variant.
Coding change: c.973G>C on transcript NM_001385125.1 (MANE Select); coding-DNA position 973, G replaced by C.
Protein change: p.Asp325His; replaces aspartic acid 325 with histidine.
Molecular consequence: missense variant. On other transcripts: 3 prime UTR variant (5), non-coding transcript variant (1).
Genome position (GRCh38, 1-based): chr7:128,772,605, C>G on the plus strand (G>C on the coding strand, the complement: OPN1SW is on the minus strand). VCF-style: chr7-128772605-C-G. GRCh37 (hg19) VCF-style: chr7-128412659-C-G.
Other names: c.*3438C>G (NM_001130674.3, NM_001199671.2, NM_001199672.2 and 1 more transcripts); c.*3511C>G (NM_001199673.2); short protein forms D325H.
Identifiers: ClinVar variation 2100880 (VCV002100880.4), dbSNP rs545093905, ClinGen allele CA369216180.

ClinVar aggregate classification (germline): Uncertain significance (1 of 4 stars; one submission).

gnomAD v4.1: 5 of 1,614,168 alleles (0.00031%); highest among the groups gnomAD compares: Non-Finnish European, 0.00025%; no homozygotes.

Submission:

Labcorp Genetics (formerly Invitae), Labcorp
Classification: Uncertain significance. Last evaluated: 2022-05-27. Review status: criteria provided, single submitter. Criteria: Invitae Variant Classification Sherloc (09022015). Collection method: clinical testing. Allele origin: germline.
Comment: This sequence change replaces aspartic acid, which is acidic and polar, with histidine, which is basic and polar, at codon 328 of the OPN1SW protein (p.Asp328His). This variant is present in population databases (no rsID available, gnomAD 0.0009%). This variant has not been reported in the literature in individuals affected with OPN1SW-related conditions. Algorithms developed to predict the effect of missense changes on protein structure and function are either unavailable or do not agree on the potential impact of this missense change (SIFT: "Deleterious"; PolyPhen-2: "Possibly Damaging"; Align-GVGD: "Class C0"). In summary, the available evidence is currently insufficient to determine the role of this variant in disease. Therefore, it has been classified as a Variant of Uncertain Significance.